The following is an entry in ClinVar:

NM_021096.4(CACNA1I):c.1747G>A (p.Ala583Thr)

Gene: CACNA1I (calcium voltage-gated channel subunit alpha1 I; plus strand). Cytogenetic location: 22q13.1.
Variant type: single nucleotide variant.
Coding change: c.1747G>A on transcript NM_021096.4 (MANE Select); coding-DNA position 1747, G replaced by A.
Protein change: p.Ala583Thr; replaces alanine 583 with threonine.
Molecular consequence: missense variant.
Genome position (GRCh38, 1-based): chr22:39,649,680, G>A. VCF-style: chr22-39649680-G-A. GRCh37 (hg19) VCF-style: chr22-40045685-G-A.
Other names: c.1642G>A, p.Ala548Thr (NM_001003406.2); short protein forms A548T, A583T.
Identifiers: ClinVar variation 2498906 (VCV002498906.28), dbSNP rs56859827, ClinGen allele CA10243926.
Genomic context (GRCh38, chr22:39,649,680, plus strand): 5'-CGGCCCTCGGGCCTGGGCAGCACCGACTCGGGCCAGGAGGGCTCGGGCTCCGGGAGCTCC[G>A]CTGGTGGCGAGGACGAGGCGGATGGGGACGGGGCCCGGAGCAGCGAGGACGGAGCCTCCT-3'
Protein context (NP_066919.2, residues 573-593): GQEGSGSGSS[Ala583Thr]GGEDEADGDG

ClinVar aggregate classification (germline): Benign (1 of 4 stars; one submission).

Allele frequency attached by ClinVar (database versions not stated): ESP Exome Variant Server 0.00125; gnomAD exomes 0.00134; 1000 Genomes Project 30x 0.00172; ExAC 0.00197; 1000 Genomes Project 0.00220; gnomAD 0.00238; TOPMed 0.00376.
gnomAD v4.1: 2,304 of 1,514,872 alleles (0.15%); highest among the groups gnomAD compares: Middle Eastern, 1.6%; 9 homozygotes.

Submission:

CeGaT Center for Human Genetics Tuebingen
Classification: Benign. Last evaluated: 2023-02-01. Review status: criteria provided, single submitter. Criteria: CeGaT Center For Human Genetics Tuebingen Variant Classification Criteria Version 2. Collection method: clinical testing. Allele origin: germline. Affected: yes. Observed: 3 variant alleles.
Comment: CACNA1I: BS1, BS2